The following is an entry in ClinVar:

NM_005085.4(NUP214):c.5383G>A (p.Gly1795Arg)

Gene: NUP214 (nucleoporin 214; plus strand). Cytogenetic location: 9q34.13.
Variant type: single nucleotide variant.
Coding change: c.5383G>A on transcript NM_005085.4 (MANE Select); coding-DNA position 5383, G replaced by A.
Protein change: p.Gly1795Arg; replaces glycine 1795 with arginine.
Molecular consequence: missense variant.
Genome position (GRCh38, 1-based): chr9:131,198,877, G>A. VCF-style: chr9-131198877-G-A. GRCh37 (hg19) VCF-style: chr9-134074264-G-A.
Other names: c.5353G>A, p.Gly1785Arg (NM_001318324.2); c.1861G>A, p.Gly621Arg (NM_001318325.2); short protein forms G1785R, G1795R, G621R.
Identifiers: ClinVar variation 3363329 (VCV003363329.1).

ClinVar aggregate classification (germline): Uncertain significance (1 of 4 stars; one submission).

gnomAD v4.1: 14 of 1,614,186 alleles (0.00087%); highest among the groups gnomAD compares: East Asian, 0.0022%; no homozygotes.

Submission:

GeneDx
Classification: Uncertain significance. Last evaluated: 2023-10-20. Review status: criteria provided, single submitter. Criteria: GeneDx Variant Classification Process June 2021. Collection method: clinical testing. Allele origin: germline. Affected: yes.
Comment: Not observed at significant frequency in large population cohorts (gnomAD); In silico analysis supports that this missense variant has a deleterious effect on protein structure/function; Has not been previously published as pathogenic or benign to our knowledge